The following is an entry in ClinVar:

NM_001457.4(FLNB):c.7442C>T (p.Ser2481Leu)

Genes: FLNB (filamin B; plus strand), FLNB-AS1 (FLNB antisense RNA 1; minus strand). Cytogenetic location: 3p14.3.
Variant type: single nucleotide variant.
Coding change: c.7442C>T on transcript NM_001457.4 (MANE Select); coding-DNA position 7442, C replaced by T.
Protein change: p.Ser2481Leu; replaces serine 2481 with leucine.
Molecular consequence: missense variant.
Genome position (GRCh38, 1-based): chr3:58,169,614, C>T. VCF-style: chr3-58169614-C-T. GRCh37 (hg19) VCF-style: chr3-58155341-C-T.
Other names: c.7535C>T, p.Ser2512Leu (NM_001164317.2); c.7409C>T, p.Ser2470Leu (NM_001164318.2); c.7370C>T, p.Ser2457Leu (NM_001164319.2); c.7442C>T (NM_001457.3); short protein forms S2470L, S2457L, S2481L, S2512L.
Identifiers: ClinVar variation 1952999 (VCV001952999.8), dbSNP rs2097377824, ClinGen allele CA353335150.

ClinVar aggregate classification (germline): Uncertain significance. Review status: criteria provided, multiple submitters, no conflicts (2 of 4 stars). 4 submissions from 4 submitters: Uncertain significance (4). Last evaluated 2026-06-12.

Conditions:
Inborn genetic diseases. Identifiers: MedGen C0950123, MeSH D030342.
FLNB-related disorder. Also called: FLNB-related condition; FLNB-related disorders. Identifiers: MedGen CN381095.

Allele frequency attached by ClinVar (database versions not stated): gnomAD 0.00001.
gnomAD v4.1: 8 of 1,614,056 alleles (0.0005%); highest among the groups gnomAD compares: South Asian, 0.0055%; no homozygotes.

Submissions (4):

PreventionGenetics, part of Exact Sciences
Classification: Uncertain significance for FLNB-related condition. Last evaluated: 2026-06-12. Review status: criteria provided, single submitter. Criteria: ACMG Guidelines, 2015. Collection method: clinical testing. Allele origin: germline.
Comment: The FLNB c.7442C>T variant is predicted to result in the amino acid substitution p.Ser2481Leu. To our knowledge, this variant has not been reported in the literature or in a large population database (gnomAD), indicating this variant is rare. At this time, the clinical significance of this variant is uncertain due to the absence of conclusive functional and genetic evidence.

Ambry Genetics
Classification: Uncertain significance for Inborn genetic diseases. Last evaluated: 2025-10-02. Review status: criteria provided, single submitter. Criteria: Ambry Variant Classification Scheme 2023. Collection method: clinical testing. Allele origin: germline.

Labcorp Genetics (formerly Invitae), Labcorp
Classification: Uncertain significance. Last evaluated: 2024-07-04. Review status: criteria provided, single submitter. Criteria: Invitae Variant Classification Sherloc (09022015). Collection method: clinical testing. Allele origin: germline.
Comment: This sequence change replaces serine, which is neutral and polar, with leucine, which is neutral and non-polar, at codon 2481 of the FLNB protein (p.Ser2481Leu). This variant is not present in population databases (gnomAD no frequency). This variant has not been reported in the literature in individuals affected with FLNB-related conditions. ClinVar contains an entry for this variant (Variation ID: 1952999). Advanced modeling of protein sequence and biophysical properties (such as structural, functional, and spatial information, amino acid conservation, physicochemical variation, residue mobility, and thermodynamic stability) performed at Invitae indicates that this missense variant is not expected to disrupt FLNB protein function with a negative predictive value of 95%. In summary, the available evidence is currently insufficient to determine the role of this variant in disease. Therefore, it has been classified as a Variant of Uncertain Significance.

GeneDx
Classification: Uncertain significance. Last evaluated: 2024-03-06. Review status: criteria provided, single submitter. Criteria: GeneDx Variant Classification Process June 2021. Collection method: clinical testing. Allele origin: germline. Affected: yes.
Comment: Not observed at significant frequency in large population cohorts (gnomAD); In silico analysis supports that this missense variant has a deleterious effect on protein structure/function; Has not been previously published as pathogenic or benign to our knowledge